The following is an entry in ClinVar:

NM_004612.4(TGFBR1):c.428T>A (p.Leu143Ter)

Gene: TGFBR1 (transforming growth factor beta receptor 1; plus strand). Cytogenetic location: 9q22.33.
Variant type: single nucleotide variant.
Coding change: c.428T>A on transcript NM_004612.4 (MANE Select); coding-DNA position 428, T replaced by A.
Protein change: p.Leu143Ter; replaces leucine 143 with a stop codon.
Molecular consequence: nonsense. On other transcripts: intron variant (1).
Genome position (GRCh38, 1-based): chr9:99,132,593, T>A. VCF-style: chr9-99132593-T-A. GRCh37 (hg19) VCF-style: chr9-101894875-T-A.
Other names: p.L143*:TTG>TAG; c.440T>A, p.Leu147Ter (NM_001306210.2); c.343+3493T>A (NM_001130916.3); short protein forms L143*, L147*.
Identifiers: ClinVar variation 213898 (VCV000213898.4), dbSNP rs863223831, ClinGen allele CA322389.

ClinVar aggregate classification (germline): Likely pathogenic (1 of 4 stars; one submission).

Submission:

GeneDx
Classification: Likely pathogenic. Last evaluated: 2025-05-22. Review status: criteria provided, single submitter. Criteria: GeneDx Variant Classification Process June 2021. Collection method: clinical testing. Allele origin: germline. Affected: yes.
Comment: Nonsense variant predicted to result in protein truncation or nonsense mediated decay in a gene for which loss of function is a known mechanism of disease; Reported in an individual with global developmental delay, bicuspid aortic valve with progressive aortic dilation, bilateral cystic kidney dysplasia, and dysmorphic features; the variant was inherited from a mother with skeletal findings and a normal echocardiogram (PMID: 34355836); Not observed at significant frequency in large population cohorts (gnomAD); This variant is associated with the following publications: (PMID: 34355836)